The following is an entry in ClinVar:

NM_001360016.2(G6PD):c.98T>C (p.Ile33Thr)

Genes: G6PD (glucose-6-phosphate dehydrogenase; minus strand), IKBKG (inhibitor of nuclear factor kappa B kinase regulatory subunit gamma; plus strand). Cytogenetic location: Xq28.
Variant type: single nucleotide variant.
Coding change: c.98T>C on transcript NM_001360016.2 (MANE Select); coding-DNA position 98, T replaced by C.
Protein change: p.Ile33Thr; replaces isoleucine 33 with threonine.
Molecular consequence: missense variant. On other transcripts: intron variant (4).
Genome position (GRCh38, 1-based): chrX:154,546,058, A>G on the plus strand (T>C on the coding strand, the complement: G6PD is on the minus strand). VCF-style: chrX-154546058-A-G. GRCh37 (hg19) VCF-style: chrX-153774273-A-G.
Other names: c.188T>C, p.Ile63Thr (NM_000402.4); c.98T>C, p.Ile33Thr (NM_001042351.3); c.-16+4667A>G (NM_001377312.1, NM_001377313.1); c.189+3606A>G (NM_001099856.6); c.-16+3671A>G (NM_001321396.3); short protein forms I33T, I63T.
Identifiers: ClinVar variation 93504 (VCV000093504.11), dbSNP rs398123552, ClinGen allele CA201564.

ClinVar aggregate classification (germline): Conflicting classifications of pathogenicity. Review status: criteria provided, conflicting classifications (1 of 4 stars). 3 submissions from 3 submitters: Pathogenic (1); Uncertain significance (2). Last evaluated 2024-10-21.

Conditions:
Anemia, nonspherocytic hemolytic, due to G6PD deficiency (CNSHA1). Also called: Class I glucose-6-phosphate dehydrogenase deficiency; Favism, susceptibility to; ANEMIA, CONGENITAL, NONSPHEROCYTIC HEMOLYTIC, 1; Hemolytic anemia due to G6PD deficiency. Identifiers: Orphanet 466026, MedGen C2720289, MONDO:0010480, OMIM 300908.

Allele frequency attached by ClinVar (database versions not stated): gnomAD exomes 0.00001 and 0.00002.
gnomAD v4.1: 4 of 1,211,011 alleles (0.00033%); highest among the groups gnomAD compares: Admixed American, 0.0044%; no homozygotes.

Submissions (3):

Labcorp Genetics (formerly Invitae), Labcorp
Classification: Uncertain significance for Anemia, nonspherocytic hemolytic, due to G6PD deficiency. Last evaluated: 2024-10-21. Review status: criteria provided, single submitter. Criteria: Invitae Variant Classification Sherloc (09022015). Collection method: clinical testing. Allele origin: germline.
Comment: This sequence change replaces isoleucine, which is neutral and non-polar, with threonine, which is neutral and polar, at codon 33 of the G6PD protein (p.Ile33Thr). This variant is present in population databases (rs398123552, gnomAD 0.004%). This variant has not been reported in the literature in individuals affected with G6PD-related conditions. ClinVar contains an entry for this variant (Variation ID: 93504). Invitae Evidence Modeling of protein sequence and biophysical properties (such as structural, functional, and spatial information, amino acid conservation, physicochemical variation, residue mobility, and thermodynamic stability) has been performed for this missense variant. However, the output from this modeling did not meet the statistical confidence thresholds required to predict the impact of this variant on G6PD protein function. In summary, the available evidence is currently insufficient to determine the role of this variant in disease. Therefore, it has been classified as a Variant of Uncertain Significance.

Revvity Omics, Revvity
Classification: Uncertain significance for Anemia, nonspherocytic hemolytic, due to G6PD deficiency. Last evaluated: 2024-06-10. Review status: criteria provided, single submitter. Criteria: ACMG Guidelines, 2015. Collection method: clinical testing. Allele origin: germline.

Eurofins Ntd Llc (ga)
Classification: Pathogenic. Last evaluated: 2012-09-06. Review status: criteria provided, single submitter. Criteria: EGL Classification Definitions. Collection method: clinical testing. Allele origin: germline. Observed: 1 variant allele, 1 heterozygote.